The following is an entry in ClinVar:

NM_005045.4(RELN):c.9237_9248del (p.Val3080_Ala3083del)

Genes: RELN (reelin; minus strand), SLC26A5-AS1 (SLC26A5 antisense RNA 1; plus strand). Cytogenetic location: 7q22.1.
Variant type: Deletion.
Coding change: c.9237_9248del on transcript NM_005045.4 (MANE Select); coding-DNA positions 9237 to 9248, 12 bases deleted (TGTAAGGACAGC).
Protein change: p.Val3080_Ala3083del.
Molecular consequence: inframe deletion.
Genome position (GRCh38, 1-based): chr7:103,495,844-103,495,855, GCTGTCCTTACA deleted on the plus strand (TGTAAGGACAGC on the coding strand, the reverse complement: RELN is on the minus strand); deleting any 12 consecutive bases within chr7:103,495,844-103,495,857 gives the same sequence; the c. name uses the placement nearest the transcript's 3' end. VCF-style (leftmost placement, unchanged base first): chr7-103495843-TGCTGTCCTTACA-T. GRCh37 (hg19) VCF-style: chr7-103136290-TGCTGTCCTTACA-T.
Other names: c.9237_9248del, p.Val3080_Ala3083del (NM_173054.3).
Identifiers: ClinVar variation 1361388 (VCV001361388.8), dbSNP rs2117018688, ClinGen allele CA2573141344.
Genomic context (GRCh38, chr7:103,495,843, plus strand): 5'-AGTCTTGTCCTTCTTTTTATTTGGCCAATAGAGGTGAAAGGATGGATTGCCACAAAATCC[TGCTGTCCTTACA>T]GCATTAGGGTAAAAACTCCAGTTTTCTTCATGGGAAGTGCCTTCTGTTAAGGAAAATTGG-3'

ClinVar aggregate classification (germline): Uncertain significance (1 of 4 stars; one submission).

Conditions:
Norman-Roberts syndrome (LIS2). Also called: Lissencephaly 2 (Norman-Roberts type). Identifiers: Orphanet 89844, MedGen C0796089, MONDO:0009760, OMIM 257320.
Familial temporal lobe epilepsy 7. Identifiers: Orphanet 101046, MedGen C4225327, MONDO:0014639, OMIM 616436.

Submission:

Labcorp Genetics (formerly Invitae), Labcorp
Classification: Uncertain significance for Familial temporal lobe epilepsy 7; Norman-Roberts syndrome. Last evaluated: 2022-09-07. Review status: criteria provided, single submitter. Criteria: Invitae Variant Classification Sherloc (09022015). Collection method: clinical testing. Allele origin: germline.
Comment: In summary, the available evidence is currently insufficient to determine the role of this variant in disease. Therefore, it has been classified as a Variant of Uncertain Significance. Experimental studies and prediction algorithms are not available or were not evaluated, and the functional significance of this variant is currently unknown. ClinVar contains an entry for this variant (Variation ID: 1361388). This variant has not been reported in the literature in individuals affected with RELN-related conditions. This variant is not present in population databases (gnomAD no frequency). This variant, c.9237_9248del, results in the deletion of 4 amino acid(s) of the RELN protein (p.Val3080_Ala3083del), but otherwise preserves the integrity of the reading frame.